The following is an entry in ClinVar:

ClinVar aggregate classification (germline): Uncertain significance (1 of 4 stars; one submission).

Conditions:
Joubert syndrome. Also called: CEREBELLOPARENCHYMAL DISORDER IV; JOUBERT-BOLTSHAUSER SYNDROME; Familial aplasia of the vermis. Identifiers: Orphanet 475, MedGen C5979921, MONDO:0018772.
Meckel-Gruber syndrome. Also called: DYSENCEPHALIA SPLANCHNOCYSTICA; GRUBER SYNDROME; Dysencephalia splachnocystica. Identifiers: Orphanet 564, MedGen C0265215, MONDO:0018921.

Submission:

Labcorp Genetics (formerly Invitae), Labcorp
Classification: Uncertain significance for Joubert syndrome; Meckel-Gruber syndrome. Last evaluated: 2023-10-03. Review status: criteria provided, single submitter. Criteria: Invitae Variant Classification Sherloc (09022015). Collection method: clinical testing. Allele origin: germline.
Comment: This sequence change falls in intron 11 of the TMEM67 gene. It does not directly change the encoded amino acid sequence of the TMEM67 protein. It affects a nucleotide within the consensus splice site. This variant is not present in population databases (gnomAD no frequency). This variant has not been reported in the literature in individuals affected with TMEM67-related conditions. This variant is also known as c.1132-2_1132-1insAAAA. ClinVar contains an entry for this variant (Variation ID: 2076872). Variants that disrupt the consensus splice site are a relatively common cause of aberrant splicing (PMID: 17576681, 9536098). Algorithms developed to predict the effect of sequence changes on RNA splicing suggest that this variant may disrupt the consensus splice site. In summary, the available evidence is currently insufficient to determine the role of this variant in disease. Therefore, it has been classified as a Variant of Uncertain Significance.

Literature cited by the submitters: PubMed 17576681; PubMed 9536098.

NM_153704.6(TMEM67):c.1132-2_1132-1insAAAA

Gene: TMEM67 (transmembrane protein 67; plus strand). Cytogenetic location: 8q22.1.
Variant type: Insertion.
Coding change: c.1132-2_1132-1insAAAA on transcript NM_153704.6 (MANE Select); the canonical splice acceptor site of the intron before coding-DNA position 1132, AAAA inserted.
Molecular consequence: splice acceptor variant.
Genome position: GRCh38 VCF-style: chr8-93785219-C-CAAAA. GRCh37 (hg19) VCF-style: chr8-94797447-C-CAAAA.
Other names: c.889-2_889-1insAAAA (NM_001142301.1).
Identifiers: ClinVar variation 2076872 (VCV002076872.4), dbSNP rs1814037765, ClinGen allele CA1803226863.